The following is an entry in ClinVar:

NM_006790.3(MYOT):c.*463C>T

Genes: PKD2L2-DT (PKD2L2 divergent transcript; minus strand), MYOT (myotilin; plus strand). Cytogenetic location: 5q31.2.
Variant type: single nucleotide variant.
Coding change: c.*463C>T on transcript NM_006790.3 (MANE Select); 463 bases downstream of the stop codon, C replaced by T.
Molecular consequence: 3 prime UTR variant.
Genome position (GRCh38, 1-based): chr5:137,887,848, C>T. VCF-style: chr5-137887848-C-T. GRCh37 (hg19) VCF-style: chr5-137223537-C-T.
Other names: c.*463C>T (NM_001135940.2, NM_001300911.2).
Identifiers: ClinVar variation 351034 (VCV000351034.7), dbSNP rs149535236, ClinGen allele CA10620248.

ClinVar aggregate classification (germline): Benign (1 of 4 stars; one submission).

Conditions:
Myofibrillar myopathy 3 (MFM3). Also called: Muscular dystrophy, proximal, type 1A; Autosomal dominant spheroid body myopathy. Identifiers: Orphanet 266, Orphanet 268129, MedGen C3714934, MONDO:0012215, OMIM 609200.

Allele frequency attached by ClinVar (database versions not stated): gnomAD 0.00051; 1000 Genomes Project 0.00060; gnomAD exomes 0.00130; 1000 Genomes Project 30x 0.00141; TOPMed 0.00226.
gnomAD v4.1: 209 of 154,620 alleles (0.14%); highest among the groups gnomAD compares: Middle Eastern, 0.99%; 4 homozygotes.

Submission:

Illumina Laboratory Services, Illumina
Classification: Benign for Myofibrillar myopathy 3. Last evaluated: 2018-01-13. Review status: criteria provided, single submitter. Criteria: ICSL Variant Classification Criteria 13 December 2019. Collection method: clinical testing. Allele origin: germline.
Comment: This variant was observed in the ICSL laboratory as part of a predisposition screen in an ostensibly healthy population. It had not been previously curated by ICSL or reported in the Human Gene Mutation Database (HGMD: prior to June 1st, 2018), and was therefore a candidate for classification through an automated scoring system. Utilizing variant allele frequency, disease prevalence and penetrance estimates, and inheritance mode, an automated score was calculated to assess if this variant is too frequent to cause the disease. Based on the score and internal cut-off values, a variant classified as benign is not then subjected to further curation. The score for this variant resulted in a classification of benign for this disease.